The following is an entry in ClinVar:

ClinVar aggregate classification (germline): Benign/Likely benign. Review status: criteria provided, multiple submitters, no conflicts (2 of 4 stars). 6 submissions from 6 submitters: Benign (3); Likely benign (3). Last evaluated 2026-06-01.

Conditions:
Spinocerebellar ataxia type 35. Identifiers: Orphanet 276193, MedGen C3888031, MONDO:0013485, OMIM 613908.

Allele frequency attached by ClinVar (database versions not stated): 1000 Genomes Project 30x 0.00031; 1000 Genomes Project 0.00040; TOPMed 0.00108; ESP Exome Variant Server 0.00123; gnomAD 0.00125 and 0.00135; ExAC 0.00132; gnomAD exomes 0.00135.
gnomAD v4.1: 3,136 of 1,614,196 alleles (0.19%); highest among the groups gnomAD compares: Non-Finnish European, 0.23%; 6 homozygotes.

Submissions (6):

CeGaT Center for Human Genetics Tuebingen
Classification: Likely benign. Last evaluated: 2026-06-01. Review status: criteria provided, single submitter. Criteria: CeGaT Center For Human Genetics Tuebingen Variant Classification Criteria Version 2. Collection method: clinical testing. Allele origin: germline. Affected: yes. Observed: 8 variant alleles.
Comment: TGM6: BP4, BS1

Labcorp Genetics (formerly Invitae), Labcorp
Classification: Likely benign. Last evaluated: 2026-01-05. Review status: criteria provided, single submitter. Criteria: Invitae Variant Classification Sherloc (09022015). Collection method: clinical testing. Allele origin: germline.

Athena Diagnostics
Classification: Benign. Last evaluated: 2025-07-16. Review status: criteria provided, single submitter. Criteria: Athena Diagnostics Criteria. Collection method: clinical testing. Allele origin: unknown.
Comment: The frequency of this variant in the general population is higher than would generally be expected for pathogenic variants in this gene. Computational tools predict this amino acid change may be benign.

Blueprint Genetics
Classification: Likely benign. Last evaluated: 2024-11-25. Review status: criteria provided, single submitter. Criteria: ACMG Guidelines, 2015. Collection method: clinical testing. Allele origin: germline.

Mayo Clinic Laboratories, Mayo Clinic
Classification: Benign. Last evaluated: 2023-11-24. Review status: criteria provided, single submitter. Criteria: ACMG Guidelines, 2015. Collection method: clinical testing. Allele origin: germline. Observed: 2 variant alleles.
Comment: BS1, BS2, BP4

Illumina Laboratory Services, Illumina
Classification: Benign for Spinocerebellar ataxia type 35. Last evaluated: 2018-01-12. Review status: criteria provided, single submitter. Criteria: ICSL Variant Classification Criteria 13 December 2019. Collection method: clinical testing. Allele origin: germline.
Comment: This variant was observed in the ICSL laboratory as part of a predisposition screen in an ostensibly healthy population. It had not been previously curated by ICSL or reported in the Human Gene Mutation Database (HGMD: prior to June 1st, 2018), and was therefore a candidate for classification through an automated scoring system. Utilizing variant allele frequency, disease prevalence and penetrance estimates, and inheritance mode, an automated score was calculated to assess if this variant is too frequent to cause the disease. Based on the score and internal cut-off values, a variant classified as benign is not then subjected to further curation. The score for this variant resulted in a classification of benign for this disease.

NM_198994.3(TGM6):c.1216G>A (p.Glu406Lys)

Gene: TGM6 (transglutaminase 6; plus strand). Cytogenetic location: 20p13.
Variant type: single nucleotide variant.
Coding change: c.1216G>A on transcript NM_198994.3 (MANE Select); coding-DNA position 1216, G replaced by A.
Protein change: p.Glu406Lys; replaces glutamic acid 406 with lysine.
Molecular consequence: missense variant.
Genome position (GRCh38, 1-based): chr20:2,403,703, G>A. VCF-style: chr20-2403703-G-A. GRCh37 (hg19) VCF-style: chr20-2384349-G-A.
Other names: c.1216G>A, p.Glu406Lys (NM_001254734.2); short protein forms E406K.
Identifiers: ClinVar variation 337924 (VCV000337924.39), dbSNP rs144338465, ClinGen allele CA9732016.